The following is an entry in ClinVar:

ClinVar aggregate classification (germline): Benign/Likely benign. Review status: criteria provided, multiple submitters, no conflicts (2 of 4 stars). 10 submissions from 10 submitters: Benign (3); Likely benign (5). 2 of the submissions do not count toward it. Last evaluated 2026-06-01.

Conditions:
ITPR1-related disorder. Also called: ITPR1-related condition.
Autosomal dominant cerebellar ataxia. Also called: Spinocerebellar Ataxia, Dominant. Identifiers: Orphanet 99, MedGen C4087347, MONDO:0020380.
Intellectual disability. Also called: Intellectual developmental disorder; Intellectual functioning disability; intellectual disabilities. Identifiers: MedGen C3714756, MeSH D008607, MONDO:0001071, HP:0001249.

Allele frequency attached by ClinVar (database versions not stated): 1000 Genomes Project 30x 0.00016; 1000 Genomes Project 0.00020; gnomAD exomes 0.00100 and 0.00229; gnomAD 0.00138 and 0.00148; TOPMed 0.00147; ESP Exome Variant Server 0.00152; ExAC 0.00238.
gnomAD v4.1: 3,399 of 1,570,614 alleles (0.22%); highest among the groups gnomAD compares: Non-Finnish European, 0.28%; 9 homozygotes.

Submissions (10):

CeGaT Center for Human Genetics Tuebingen
Classification: Likely benign. Last evaluated: 2026-06-01. Review status: criteria provided, single submitter. Criteria: CeGaT Center For Human Genetics Tuebingen Variant Classification Criteria Version 2. Collection method: clinical testing. Allele origin: germline. Affected: yes. Observed: 9 variant alleles.
Comment: ITPR1: BP4

Labcorp Genetics (formerly Invitae), Labcorp
Classification: Likely benign. Last evaluated: 2026-01-18. Review status: criteria provided, single submitter. Criteria: Invitae Variant Classification Sherloc (09022015). Collection method: clinical testing. Allele origin: germline.

Athena Diagnostics
Classification: Benign. Last evaluated: 2025-03-17. Review status: criteria provided, single submitter. Criteria: Athena Diagnostics Criteria. Collection method: clinical testing. Allele origin: unknown.
Comment: The frequency of this variant in the general population is higher than would generally be expected for pathogenic variants in this gene.

Blueprint Genetics
Classification: Likely benign. Last evaluated: 2024-11-20. Review status: criteria provided, single submitter. Criteria: ACMG Guidelines, 2015. Collection method: clinical testing. Allele origin: germline.

GeneDx
Classification: Likely benign. Last evaluated: 2020-09-02. Review status: criteria provided, single submitter. Criteria: GeneDx Variant Classification Process June 2021. Collection method: clinical testing. Allele origin: germline. Affected: yes.

Laboratorio de Genetica e Diagnostico Molecular, Hospital Israelita Albert Einstein
Classification: Likely benign. Last evaluated: 2020-02-14. Review status: criteria provided, single submitter. Criteria: ACMG Guidelines, 2015. Collection method: clinical testing. Allele origin: germline. Affected: yes.
Comment: ACMG classification criteria: BS1, BP4

Illumina Laboratory Services, Illumina
Classification: Benign for Spinocerebellar Ataxia, Dominant. Last evaluated: 2018-01-13. Review status: criteria provided, single submitter. Criteria: ICSL Variant Classification Criteria 13 December 2019. Collection method: clinical testing. Allele origin: germline.
Comment: This variant was observed in the ICSL laboratory as part of a predisposition screen in an ostensibly healthy population. It had not been previously curated by ICSL or reported in the Human Gene Mutation Database (HGMD: prior to June 1st, 2018), and was therefore a candidate for classification through an automated scoring system. Utilizing variant allele frequency, disease prevalence and penetrance estimates, and inheritance mode, an automated score was calculated to assess if this variant is too frequent to cause the disease. Based on the score and internal cut-off values, a variant classified as benign is not then subjected to further curation. The score for this variant resulted in a classification of benign for this disease.

Eurofins Ntd Llc (ga)
Classification: Benign. Last evaluated: 2015-02-26. Review status: criteria provided, single submitter. Criteria: EGL Classification Definitions 2015. Collection method: clinical testing. Allele origin: germline. Observed: 1 variant allele, 1 heterozygote.

PreventionGenetics, part of Exact Sciences
Classification: Likely benign for ITPR1-related condition. Last evaluated: 2022-06-09. Review status: no assertion criteria provided. Collection method: clinical testing. Allele origin: germline. Not counted in ClinVar's aggregate classification.
Comment: This variant is classified as likely benign based on ACMG/AMP sequence variant interpretation guidelines (Richards et al. 2015 PMID: 25741868, with internal and published modifications).

Centre de Biologie Pathologie Génétique, Centre Hospitalier Universitaire de Lille
Classification: Benign for Intellectual disability. Last evaluated: 2019-01-01. Review status: no assertion criteria provided. Collection method: clinical testing. Allele origin: inherited. Affected: yes. Not counted in ClinVar's aggregate classification.

Literature cited by the submitters: PubMed 21367767 (cited by Eurofins Ntd Llc (ga)).

NM_001378452.1(ITPR1):c.2007-3T>C

Gene: ITPR1 (inositol 1,4,5-trisphosphate receptor type 1; plus strand). Cytogenetic location: 3p26.1.
Variant type: single nucleotide variant.
Coding change: c.2007-3T>C on transcript NM_001378452.1 (MANE Select); 3 bases into the intron before coding-DNA position 2007, T replaced by C.
Molecular consequence: intron variant.
Genome position (GRCh38, 1-based): chr3:4,670,726, T>C. VCF-style: chr3-4670726-T-C. GRCh37 (hg19) VCF-style: chr3-4712410-T-C.
Other names: c.2007-3T>C (NM_001099952.4); c.1962-3T>C (NM_001168272.2, NM_002222.7).
Identifiers: ClinVar variation 194942 (VCV000194942.67), dbSNP rs200335594, ClinGen allele CA201450.